The following is an entry in ClinVar:

ClinVar aggregate classification (germline): Likely benign (1 of 4 stars; one submission).

Allele frequency attached by ClinVar (database versions not stated): TOPMed below 0.00001; gnomAD 0.00001.
gnomAD v4.1: 40 of 1,613,964 alleles (0.0025%); highest among the groups gnomAD compares: Non-Finnish European, 0.0031%; no homozygotes.

Submission:

Labcorp Genetics (formerly Invitae), Labcorp
Classification: Likely benign. Last evaluated: 2024-05-23. Review status: criteria provided, single submitter. Criteria: Invitae Variant Classification Sherloc (09022015). Collection method: clinical testing. Allele origin: germline.

NM_006164.5(NFE2L2):c.214G>A (p.Ala72Thr)

Gene: NFE2L2 (NFE2 like bZIP transcription factor 2; minus strand). Cytogenetic location: 2q31.2.
Variant type: single nucleotide variant.
Coding change: c.214G>A on transcript NM_006164.5 (MANE Select); coding-DNA position 214, G replaced by A.
Protein change: p.Ala72Thr; replaces alanine 72 with threonine.
Molecular consequence: missense variant. On other transcripts: 5 prime UTR variant (1), intron variant (1).
Genome position (GRCh38, 1-based): chr2:177,234,103, C>T on the plus strand (G>A on the coding strand, the complement: NFE2L2 is on the minus strand). VCF-style: chr2-177234103-C-T. GRCh37 (hg19) VCF-style: chr2-178098831-C-T.
Other names: c.166G>A, p.Ala56Thr (NM_001145412.3, NM_001145413.3, NM_001313900.1 and 1 more transcripts); c.214G>A, p.Ala72Thr (NM_001313902.2); c.-16G>A (NM_001313904.1); c.93+121G>A (NM_001313903.2); c.214G>A (NM_006164.4); short protein forms A56T, A72T.
Identifiers: ClinVar variation 1569178 (VCV001569178.10), dbSNP rs1135118, ClinGen allele CA60884666.